The following is an entry in ClinVar:

NM_001378418.1(TCF20):c.3463C>G (p.Pro1155Ala)

Gene: TCF20 (transcription factor 20; minus strand). Cytogenetic location: 22q13.2.
Variant type: single nucleotide variant.
Coding change: c.3463C>G on transcript NM_001378418.1 (MANE Select); coding-DNA position 3463, C replaced by G.
Protein change: p.Pro1155Ala; replaces proline 1155 with alanine.
Molecular consequence: missense variant.
Genome position (GRCh38, 1-based): chr22:42,211,843, G>C on the plus strand (C>G on the coding strand, the complement: TCF20 is on the minus strand). VCF-style: chr22-42211843-G-C. GRCh37 (hg19) VCF-style: chr22-42607849-G-C.
Other names: c.3463C>G, p.Pro1155Ala (NM_005650.4, NM_181492.3); short protein forms P1155A.
Identifiers: ClinVar variation 1919105 (VCV001919105.6), dbSNP rs761495177, ClinGen allele CA411786435.

ClinVar aggregate classification (germline): Conflicting classifications of pathogenicity. Review status: criteria provided, conflicting classifications (1 of 4 stars). 2 submissions from 2 submitters: Uncertain significance (1); Likely benign (1). Last evaluated 2024-09-20.

Conditions:
Developmental delay with variable intellectual impairment and behavioral abnormalities. Identifiers: MedGen C5193092, MONDO:0032745, OMIM 618430.

Submissions (2):

3billion
Classification: Likely benign for Developmental delay with variable intellectual impairment and behavioral abnormalities. Last evaluated: 2024-09-20. Review status: criteria provided, single submitter. Criteria: ACMG Guidelines, 2015. Collection method: clinical testing. Allele origin: germline. Affected: no.
Comment: The variant was identified in at least one patient who was diagnosed with a different variant in another gene and showed no symptoms related to the gene containing the variant in question.

Labcorp Genetics (formerly Invitae), Labcorp
Classification: Uncertain significance. Last evaluated: 2024-03-04. Review status: criteria provided, single submitter. Criteria: Invitae Variant Classification Sherloc (09022015). Collection method: clinical testing. Allele origin: germline.
Comment: This sequence change replaces proline, which is neutral and non-polar, with alanine, which is neutral and non-polar, at codon 1155 of the TCF20 protein (p.Pro1155Ala). This variant is not present in population databases (gnomAD no frequency). This variant has not been reported in the literature in individuals affected with TCF20-related conditions. ClinVar contains an entry for this variant (Variation ID: 1919105). An algorithm developed to predict the effect of missense changes on protein structure and function (PolyPhen-2) suggests that this variant is likely to be tolerated. In summary, the available evidence is currently insufficient to determine the role of this variant in disease. Therefore, it has been classified as a Variant of Uncertain Significance.